The following is an entry in ClinVar:

NM_022114.4(PRDM16):c.2940-301A>G

Gene: PRDM16 (PR/SET domain 16; plus strand). Cytogenetic location: 1p36.32.
Variant type: single nucleotide variant.
Coding change: c.2940-301A>G on transcript NM_022114.4 (MANE Select); 301 bases into the intron before coding-DNA position 2940, A replaced by G.
Molecular consequence: intron variant.
Genome position (GRCh38, 1-based): chr1:3,425,280, A>G. VCF-style: chr1-3425280-A-G. GRCh37 (hg19) VCF-style: chr1-3341844-A-G.
Other names: c.2940-301A>G (NM_199454.3).
Identifiers: ClinVar variation 671494 (VCV000671494.1), dbSNP rs183192346, ClinGen allele CA10980915.

ClinVar aggregate classification (germline): Likely benign (1 of 4 stars; one submission).

Allele frequency attached by ClinVar (database versions not stated): 1000 Genomes Project 0.01737; 1000 Genomes Project 30x 0.01843; gnomAD 0.02624; TOPMed 0.02686.
gnomAD v4.1: 6,139 of 229,556 alleles (2.7%); highest among the groups gnomAD compares: Admixed American, 4.7%; 125 homozygotes.

Submission:

GeneDx
Classification: Likely benign. Last evaluated: 2018-06-14. Review status: criteria provided, single submitter. Criteria: GeneDx Variant Classification (06012015). Collection method: clinical testing. Allele origin: germline. Affected: yes.
Comment: This variant is considered likely benign or benign based on one or more of the following criteria: it is a conservative change, it occurs at a poorly conserved position in the protein, it is predicted to be benign by multiple in silico algorithms, and/or has population frequency not consistent with disease.